The following is an entry in ClinVar:

ClinVar aggregate classification (germline): Uncertain significance (1 of 4 stars; one submission).

Conditions:
LRRC45-related disorder. Also called: LRRC45-related condition.

gnomAD v4.1: 25 of 1,612,376 alleles (0.0016%); highest among the groups gnomAD compares: Non-Finnish European, 0.002%; no homozygotes.

Submission:

PreventionGenetics, part of Exact Sciences
Classification: Uncertain significance for LRRC45-related condition. Last evaluated: 2025-07-24. Review status: criteria provided, single submitter. Criteria: ACMG Guidelines, 2015. Collection method: clinical testing. Allele origin: germline.
Comment: The LRRC45 c.1126-1G>A variant is predicted to disrupt the AG splice acceptor site and interfere with normal splicing. This variant was reported in the compound heterozygous state in an individual with ciliopathy (Best et al. 2022. PubMed ID: 34716235). This variant is reported in 0.0024% of alleles in individuals of European (Non-Finnish) descent in gnomAD. Although we suspect that this variant may be pathogenic, at this time, the clinical significance of this variant is uncertain due to the absence of conclusive functional and genetic evidence.

NM_144999.4(LRRC45):c.1126-1G>A

Gene: LRRC45 (leucine rich repeat containing 45; plus strand). Cytogenetic location: 17q25.3.
Variant type: single nucleotide variant.
Coding change: c.1126-1G>A on transcript NM_144999.4 (MANE Select); the canonical splice acceptor site of the intron before coding-DNA position 1126, G replaced by A.
Molecular consequence: splice acceptor variant.
Genome position (GRCh38, 1-based): chr17:82,028,396, G>A. VCF-style: chr17-82028396-G-A. GRCh37 (hg19) VCF-style: chr17-79986272-G-A.
Identifiers: ClinVar variation 4989269 (VCV004989269.1).